The following is an entry in ClinVar:

NM_001089.3(ABCA3):c.1549G>A (p.Glu517Lys)

Gene: ABCA3 (ATP binding cassette subfamily A member 3; minus strand). Cytogenetic location: 16p13.3.
Variant type: single nucleotide variant.
Coding change: c.1549G>A on transcript NM_001089.3 (MANE Select); coding-DNA position 1549, G replaced by A.
Protein change: p.Glu517Lys; replaces glutamic acid 517 with lysine.
Molecular consequence: missense variant.
Genome position (GRCh38, 1-based): chr16:2,300,067, C>T on the plus strand (G>A on the coding strand, the complement: ABCA3 is on the minus strand). VCF-style: chr16-2300067-C-T. GRCh37 (hg19) VCF-style: chr16-2350068-C-T.
Other names: short protein forms E517K.
Identifiers: ClinVar variation 178699 (VCV000178699.6), dbSNP rs201157181, ClinGen allele CA182808.

ClinVar aggregate classification (germline): Uncertain significance. Review status: criteria provided, multiple submitters, no conflicts (2 of 4 stars). 2 submissions from 2 submitters: Uncertain significance (2). Last evaluated 2024-09-26.

Allele frequency attached by ClinVar (database versions not stated): ESP Exome Variant Server 0.00008; ExAC 0.00016; gnomAD exomes 0.00020; gnomAD 0.00038 and 0.00039; TOPMed 0.00042; 1000 Genomes Project 0.00060; 1000 Genomes Project 30x 0.00078.
gnomAD v4.1: 324 of 1,613,684 alleles (0.02%); highest among the groups gnomAD compares: Admixed American, 0.098%; 1 homozygote.

Submissions (5):

Blueprint Genetics
Classification: Uncertain significance. Last evaluated: 2024-09-26. Review status: criteria provided, single submitter. Criteria: ACMG Guidelines, 2015. Collection method: clinical testing. Allele origin: germline.

Laboratory for Molecular Medicine, Mass General Brigham Personalized Medicine
Classification: Uncertain significance. Last evaluated: 2013-11-08. Review status: criteria provided, single submitter. Criteria: LMM Criteria. Collection method: clinical testing. Allele origin: germline. Observed: 1 variant allele.
Comment: Variant classified as Uncertain Significance - Favor Benign. The Glu517Lys varia nt in ABCA3 has not been previously identified in individuals with pulmonary dis ease. This variant has been identified in 1/8600 European American chromosomes b y the NHLBI Exome Sequencing Project (dbSNP r s201157181). Glutamic acid (Glu) at position 517 is poorly conserved in evolutio n and at least 2 mammals (tarsier and alpaca) carry the variant amino acid, rais ing the possibility that this change may be tolerated. Additional computational analyses (biochemical amino acid properties, AlignGVGD, PolyPhen2, and SIFT) sug gest that the Glu517Lys variant may not impact the protein, though this informat ion is not predictive enough to rule out pathogenicity. In summary, this variant is less likely disease causing but additional information is needed to fully as sess its clinical significance.

Dr. Peter K. Rogan Lab, Western University
No classification provided (evidence only). Condition: Clear cell carcinoma of kidney. Review status: no classification provided. Collection method: in vitro. Allele origin: not applicable. Functional consequence: retained intron. Not counted in ClinVar's aggregate classification.

Dr. Peter K. Rogan Lab, Western University
No classification provided (evidence only). Condition: Melanoma. Review status: no classification provided. Collection method: in vitro. Allele origin: not applicable. Functional consequence: skipped exon. Not counted in ClinVar's aggregate classification.

Dr. Peter K. Rogan Lab, Western University
No classification provided (evidence only). Condition: Familial cancer of breast. Review status: no classification provided. Collection method: in vitro. Allele origin: not applicable. Functional consequence: retained intron. Not counted in ClinVar's aggregate classification.